The following is an entry in ClinVar:

ClinVar aggregate classification (germline): Uncertain significance (1 of 4 stars; one submission).

gnomAD v4.1: 9 of 1,610,948 alleles (0.00056%); highest among the groups gnomAD compares: Middle Eastern, 0.017%; no homozygotes.

Submission:

Mayo Clinic Laboratories, Mayo Clinic
Classification: Uncertain significance. Last evaluated: 2025-03-18. Review status: criteria provided, single submitter. Criteria: ACMG Guidelines, 2015. Collection method: clinical testing. Allele origin: germline. Observed: 1 variant allele.
Comment: BP4_moderate, PP2, PM2_supporting

NM_015378.4(VPS13D):c.11017G>A (p.Ala3673Thr)

Gene: VPS13D (vacuolar protein sorting 13 homolog D; plus strand). Cytogenetic location: 1p36.22.
Variant type: single nucleotide variant.
Coding change: c.11017G>A on transcript NM_015378.4 (MANE Select); coding-DNA position 11017, G replaced by A.
Protein change: p.Ala3673Thr; replaces alanine 3673 with threonine.
Molecular consequence: missense variant.
Genome position (GRCh38, 1-based): chr1:12,378,527, G>A. VCF-style: chr1-12378527-G-A. GRCh37 (hg19) VCF-style: chr1-12438581-G-A.
Other names: p.Ala3673Thr; c.10942G>A, p.Ala3648Thr (NM_018156.4); short protein forms A3673T, A3648T.
Identifiers: ClinVar variation 4540745 (VCV004540745.1).